The following is an entry in ClinVar:

ClinVar aggregate classification (germline): Likely benign (1 of 4 stars; one submission).

Submission:

CeGaT Center for Human Genetics Tuebingen
Classification: Likely benign. Last evaluated: 2024-03-01. Review status: criteria provided, single submitter. Criteria: CeGaT Center For Human Genetics Tuebingen Variant Classification Criteria Version 2. Collection method: clinical testing. Allele origin: germline. Affected: yes. Observed: 1 variant allele.
Comment: PNKP: PM2:Supporting, BP4, BP7

NM_007254.4(PNKP):c.399T>G (p.Ala133=)

Gene: PNKP (polynucleotide kinase 3'-phosphatase; minus strand). Cytogenetic location: 19q13.33.
Variant type: single nucleotide variant.
Coding change: c.399T>G on transcript NM_007254.4 (MANE Select); coding-DNA position 399, T replaced by G.
Protein change: p.Ala133=; no amino-acid change (alanine 133 retained).
Molecular consequence: synonymous variant.
Genome position (GRCh38, 1-based): chr19:49,865,226, A>C on the plus strand (T>G on the coding strand, the complement: PNKP is on the minus strand). VCF-style: chr19-49865226-A-C. GRCh37 (hg19) VCF-style: chr19-50368483-A-C.
Identifiers: ClinVar variation 3027377 (VCV003027377.22), dbSNP rs2514641112, ClinGen allele CA508296849.